The following is an entry in ClinVar:

ClinVar aggregate classification (germline): Uncertain significance (1 of 4 stars; one submission).

Conditions:
Baller-Gerold syndrome (BGS). Also called: CRANIOSYNOSTOSIS WITH RADIAL DEFECTS. Identifiers: Orphanet 1225, MedGen C0265308, MONDO:0009039, OMIM 218600.

gnomAD v4.1: 1 of 1,570,424 alleles (0.000064%); highest among the groups gnomAD compares: Non-Finnish European, 0.000086%; no homozygotes.

Submission:

Labcorp Genetics (formerly Invitae), Labcorp
Classification: Uncertain significance for Baller-Gerold syndrome. Last evaluated: 2022-02-28. Review status: criteria provided, single submitter. Criteria: Invitae Variant Classification Sherloc (09022015). Collection method: clinical testing. Allele origin: germline.
Comment: In summary, the available evidence is currently insufficient to determine the role of this variant in disease. Therefore, it has been classified as a Variant of Uncertain Significance. ClinVar contains an entry for this variant (Variation ID: 845868). This variant has not been reported in the literature in individuals affected with RECQL4-related conditions. This variant is not present in population databases (gnomAD no frequency). This sequence change replaces arginine, which is basic and polar, with lysine, which is basic and polar, at codon 872 of the RECQL4 protein (p.Arg872Lys).

NM_004260.4(RECQL4):c.2615G>A (p.Arg872Lys)

Gene: RECQL4 (RecQ like helicase 4; minus strand). Cytogenetic location: 8q24.3.
Variant type: single nucleotide variant.
Coding change: c.2615G>A on transcript NM_004260.4 (MANE Select); coding-DNA position 2615, G replaced by A.
Protein change: p.Arg872Lys; replaces arginine 872 with lysine.
Molecular consequence: missense variant.
Genome position (GRCh38, 1-based): chr8:144,512,987, C>T on the plus strand (G>A on the coding strand, the complement: RECQL4 is on the minus strand). VCF-style: chr8-144512987-C-T. GRCh37 (hg19) VCF-style: chr8-145738370-C-T.
Other names: short protein forms R872K.
Identifiers: ClinVar variation 845868 (VCV000845868.4), dbSNP rs1827538570, ClinGen allele CA372676842.